The following is an entry in ClinVar:

ClinVar aggregate classification (germline): Uncertain significance (1 of 4 stars; one submission).

Allele frequency attached by ClinVar (database versions not stated): TOPMed 0.00003; gnomAD 0.00002; gnomAD exomes below 0.00001; ESP Exome Variant Server 0.00008.

Submission:

Labcorp Genetics (formerly Invitae), Labcorp
Classification: Uncertain significance. Last evaluated: 2026-01-29. Review status: criteria provided, single submitter. Criteria: Invitae Variant Classification Sherloc (09022015). Collection method: clinical testing. Allele origin: germline.
Comment: This sequence change replaces isoleucine, which is neutral and non-polar, with valine, which is neutral and non-polar, at codon 347 of the GANAB protein (p.Ile347Val). This variant is present in population databases (rs373876405, gnomAD 0.007%). This variant has not been reported in the literature in individuals affected with GANAB-related conditions. ClinVar contains an entry for this variant (Variation ID: 2966033). Invitae Evidence Modeling of protein sequence and biophysical properties (such as structural, functional, and spatial information, amino acid conservation, physicochemical variation, residue mobility, and thermodynamic stability) indicates that this missense variant is not expected to disrupt GANAB protein function with a negative predictive value of 80%. In summary, the available evidence is currently insufficient to determine the role of this variant in disease. Therefore, it has been classified as a Variant of Uncertain Significance.

NM_198334.3(GANAB):c.973A>G (p.Ile325Val)

Gene: GANAB (glucosidase II alpha subunit; minus strand). Cytogenetic location: 11q12.3.
Variant type: single nucleotide variant.
Coding change: c.973A>G on transcript NM_198334.3 (MANE Select); coding-DNA position 973, A replaced by G.
Protein change: p.Ile325Val; replaces isoleucine 325 with valine.
Molecular consequence: missense variant.
Genome position (GRCh38, 1-based): chr11:62,632,588, T>C on the plus strand (A>G on the coding strand, the complement: GANAB is on the minus strand). VCF-style: chr11-62632588-T-C. GRCh37 (hg19) VCF-style: chr11-62400060-T-C.
Other names: c.697A>G, p.Ile233Val (NM_001278192.2); c.631A>G, p.Ile211Val (NM_001278193.2); c.682A>G, p.Ile228Val (NM_001278194.2, NM_001329222.2, NM_001329223.2); c.250A>G, p.Ile84Val (NM_001329224.2, NM_001329225.2); c.1039A>G, p.Ile347Val (NM_198335.4); short protein forms I347V, I84V, I211V, I325V, I228V, I233V.
Identifiers: ClinVar variation 2966033 (VCV002966033.3), dbSNP rs373876405, ClinGen allele CA223048790.